The following is an entry in ClinVar:

NM_018979.4(WNK1):c.6071A>G (p.Asp2024Gly)

Gene: WNK1 (WNK lysine deficient protein kinase 1; plus strand). Cytogenetic location: 12p13.33.
Variant type: single nucleotide variant.
Coding change: c.6071A>G on transcript NM_018979.4 (MANE Select); coding-DNA position 6071, A replaced by G.
Protein change: p.Asp2024Gly; replaces aspartic acid 2024 with glycine.
Molecular consequence: missense variant.
Genome position (GRCh38, 1-based): chr12:896,558, A>G. VCF-style: chr12-896558-A-G. GRCh37 (hg19) VCF-style: chr12-1005724-A-G.
Other names: c.6851A>G, p.Asp2284Gly (NM_001184985.2); c.5327A>G, p.Asp1776Gly (NM_014823.3); c.6827A>G, p.Asp2276Gly (NM_213655.5); short protein forms D2024G, D1776G, D2276G, D2284G.
Identifiers: ClinVar variation 935433 (VCV000935433.9), dbSNP rs781281269, ClinGen allele CA6383323.

ClinVar aggregate classification (germline): Uncertain significance (1 of 4 stars; one submission).

Conditions:
Neuropathy, hereditary sensory and autonomic, type 2A (HSAN2A). Also called: MORVAN DISEASE; NEUROPATHY, CONGENITAL SENSORY; NEUROPATHY, HEREDITARY SENSORY RADICULAR, AUTOSOMAL RECESSIVE; NEUROPATHY, HEREDITARY SENSORY, TYPE IIA; NEUROPATHY, PROGRESSIVE SENSORY, OF CHILDREN; WNK1-Related HSAN2 (HSAN2A). Identifiers: Orphanet 970, MedGen C2752089, MONDO:0024309, OMIM 201300.
Pseudohypoaldosteronism type 2C (PHA2C). Also called: Pseudohypoaldosteronism Type IIC. Identifiers: Orphanet 757, Orphanet 88940, MedGen C1840391, MONDO:0013778, OMIM 614492.

Allele frequency attached by ClinVar (database versions not stated): gnomAD 0.00001; TOPMed 0.00001; ExAC 0.00002; gnomAD exomes 0.00002.
gnomAD v4.1: 26 of 1,613,142 alleles (0.0016%); highest among the groups gnomAD compares: Admixed American, 0.0033%; no homozygotes.

Submission:

Labcorp Genetics (formerly Invitae), Labcorp
Classification: Uncertain significance for Neuropathy, hereditary sensory and autonomic, type 2A; Pseudohypoaldosteronism type 2C. Last evaluated: 2025-07-14. Review status: criteria provided, single submitter. Criteria: Invitae Variant Classification Sherloc (09022015). Collection method: clinical testing. Allele origin: germline.
Comment: This sequence change replaces aspartic acid, which is acidic and polar, with glycine, which is neutral and non-polar, at codon 2276 of the WNK1 protein (p.Asp2276Gly). This variant is present in population databases (rs781281269, gnomAD 0.003%). This variant has not been reported in the literature in individuals affected with WNK1-related conditions. ClinVar contains an entry for this variant (Variation ID: 935433). Invitae Evidence Modeling of protein sequence and biophysical properties (such as structural, functional, and spatial information, amino acid conservation, physicochemical variation, residue mobility, and thermodynamic stability) indicates that this missense variant is not expected to disrupt WNK1 protein function with a negative predictive value of 95%. In summary, the available evidence is currently insufficient to determine the role of this variant in disease. Therefore, it has been classified as a Variant of Uncertain Significance.